The following is an entry in ClinVar:

NM_001142784.3(IL11RA):c.806C>T (p.Ser269Phe)

Gene: IL11RA (interleukin 11 receptor subunit alpha; plus strand). Cytogenetic location: 9p13.3.
Variant type: single nucleotide variant.
Coding change: c.806C>T on transcript NM_001142784.3 (MANE Select); coding-DNA position 806, C replaced by T.
Protein change: p.Ser269Phe; replaces serine 269 with phenylalanine.
Molecular consequence: missense variant. On other transcripts: non-coding transcript variant (1).
Genome position (GRCh38, 1-based): chr9:34,658,679, C>T. VCF-style: chr9-34658679-C-T. GRCh37 (hg19) VCF-style: chr9-34658676-C-T.
Other names: short protein forms S269F.
Identifiers: ClinVar variation 4527480 (VCV004527480.1).

ClinVar aggregate classification (germline): Uncertain significance (1 of 4 stars; one submission).

Submission:

GeneDx
Classification: Uncertain significance. Last evaluated: 2025-04-25. Review status: criteria provided, single submitter. Criteria: GeneDx Variant Classification Process June 2021. Collection method: clinical testing. Allele origin: germline. Affected: yes.
Comment: Not observed at significant frequency in large population cohorts (gnomAD); In silico analysis supports that this missense variant has a deleterious effect on protein structure/function; Has not been previously published as pathogenic or benign to our knowledge